The following is an entry in ClinVar:

NM_031844.3(HNRNPU):c.1089G>C (p.Trp363Cys)

Gene: HNRNPU (heterogeneous nuclear ribonucleoprotein U; minus strand). Cytogenetic location: 1q44.
Variant type: single nucleotide variant.
Coding change: c.1089G>C on transcript NM_031844.3 (MANE Select); coding-DNA position 1089, G replaced by C.
Protein change: p.Trp363Cys; replaces tryptophan 363 with cysteine.
Molecular consequence: missense variant.
Genome position (GRCh38, 1-based): chr1:244,859,303, C>G on the plus strand (G>C on the coding strand, the complement: HNRNPU is on the minus strand). VCF-style: chr1-244859303-C-G. GRCh37 (hg19) VCF-style: chr1-245022605-C-G.
Other names: c.1032G>C, p.Trp344Cys (NM_004501.3); short protein forms W363C, W344C.
Identifiers: ClinVar variation 588204 (VCV000588204.5), dbSNP rs1135401732, ClinGen allele CA345493079.

ClinVar aggregate classification (germline): Uncertain significance (1 of 4 stars; one submission).

Conditions:
Inborn genetic diseases. Identifiers: MedGen C0950123, MeSH D030342.

Submission:

Ambry Genetics
Classification: Uncertain significance for Inborn genetic diseases. Last evaluated: 2016-08-30. Review status: criteria provided, single submitter. Criteria: Ambry Variant Classification Scheme 2023. Collection method: clinical testing. Allele origin: germline.
Comment: The p.W363C variant (also known as c.1089G>C), located in coding exon 5 of the HNRNPU gene, results from a G to C substitution at nucleotide position 1089. The tryptophan at codon 363 is replaced by cysteine, an amino acid with highly dissimilar properties. This variant was not reported in population based cohorts in the following databases: Database of Single Nucleotide Polymorphisms (dbSNP), NHLBI Exome Sequencing Project (ESP), and 1000 Genomes Project. In the ESP, this variant was not observed in 6503 samples (13006 alleles) with coverage at this position. This amino acid position is highly conserved in available vertebrate species. In addition, this alteration is predicted to be deleterious by in silico analysis. Since supporting evidence is limited at this time, the clinical significance of this alteration remains unclear.